The following is an entry in ClinVar:

ClinVar aggregate classification (germline): Uncertain significance. Review status: criteria provided, multiple submitters, no conflicts (2 of 4 stars). 2 submissions from 2 submitters: Uncertain significance (2). Last evaluated 2025-06-27.

Conditions:
Potassium-aggravated myotonia. Also called: Myotonia congenita, atypical, acetazolamide-responsive; MYOTONIA CONGENITA, ACETAZOLAMIDE-RESPONSIVE; MYOTONIA CONGENITA, ATYPICAL; SODIUM CHANNEL MUSCLE DISEASE. Identifiers: Orphanet 612, Orphanet 99734, Orphanet 99735, Orphanet 99736, MedGen C2931826, MONDO:0018959, OMIM 608390.
Congenital myasthenic syndrome 16. Identifiers: Orphanet 590, MedGen C3280112, MONDO:0013620, OMIM 614198.
Paramyotonia congenita of Von Eulenburg. Also called: Paramyotonia Congenita; PARALYSIS PERIODICA PARAMYOTONICA; Eulenburg disease; Myotonia congenita intermittens; Von Eulenburg paramyotonia congenita. Identifiers: Orphanet 684, MedGen C0221055, MONDO:0008195, OMIM 168300. Disease mechanism: loss of function.
Hypokalemic periodic paralysis, type 2 (HOKPP2). Identifiers: Orphanet 681, MedGen C2750061, MONDO:0013234, OMIM 613345.
Hypokalemic periodic paralysis, type 1. Also called: Hypokalemic Periodic Paralysis Type 1 (AD); HypoPP. Identifiers: Orphanet 681, MedGen C3714580, MONDO:0042979, OMIM 170400.
Hyperkalemic periodic paralysis. Also called: Familial hyperkalemic periodic paralysis; Gamstorp disease. Identifiers: Orphanet 682, MedGen C0238357, MONDO:0008224, OMIM 170500, HP:0007215.

Allele frequency attached by ClinVar (database versions not stated): gnomAD 0.00001; gnomAD exomes 0.00001; TOPMed 0.00002.
gnomAD v4.1: 21 of 1,613,700 alleles (0.0013%); highest among the groups gnomAD compares: South Asian, 0.0022%; no homozygotes.

Submissions (2):

Labcorp Genetics (formerly Invitae), Labcorp
Classification: Uncertain significance for Hyperkalemic periodic paralysis. Last evaluated: 2025-06-27. Review status: criteria provided, single submitter. Criteria: Invitae Variant Classification Sherloc (09022015). Collection method: clinical testing. Allele origin: germline.
Comment: This sequence change replaces arginine, which is basic and polar, with glutamine, which is neutral and polar, at codon 1469 of the SCN4A protein (p.Arg1469Gln). This variant is not present in population databases (gnomAD no frequency). This variant has not been reported in the literature in individuals affected with SCN4A-related conditions. ClinVar contains an entry for this variant (Variation ID: 949090). Invitae Evidence Modeling of protein sequence and biophysical properties (such as structural, functional, and spatial information, amino acid conservation, physicochemical variation, residue mobility, and thermodynamic stability) indicates that this missense variant is expected to disrupt SCN4A protein function with a positive predictive value of 80%. In summary, the available evidence is currently insufficient to determine the role of this variant in disease. Therefore, it has been classified as a Variant of Uncertain Significance.

Fulgent Genetics
Classification: Uncertain significance for Paramyotonia congenita of Von Eulenburg; Hypokalemic periodic paralysis, type 1; Hyperkalemic periodic paralysis; Potassium-aggravated myotonia; Hypokalemic periodic paralysis, type 2; Congenital myasthenic syndrome 16. Last evaluated: 2022-01-02. Review status: criteria provided, single submitter. Criteria: ACMG Guidelines, 2015. Collection method: clinical testing. Allele origin: unknown.

NM_000334.4(SCN4A):c.4406G>A (p.Arg1469Gln)

Genes: GH-LCR (growth hormone locus control region; plus strand), SCN4A (sodium voltage-gated channel alpha subunit 4; minus strand). Cytogenetic location: 17q23.3.
Variant type: single nucleotide variant.
Coding change: c.4406G>A on transcript NM_000334.4 (MANE Select); coding-DNA position 4406, G replaced by A.
Protein change: p.Arg1469Gln; replaces arginine 1469 with glutamine.
Molecular consequence: missense variant.
Genome position (GRCh38, 1-based): chr17:63,941,876, C>T on the plus strand (G>A on the coding strand, the complement: SCN4A is on the minus strand). VCF-style: chr17-63941876-C-T. GRCh37 (hg19) VCF-style: chr17-62019236-C-T.
Other names: short protein forms R1469Q.
Identifiers: ClinVar variation 949090 (VCV000949090.11), dbSNP rs962610601, ClinGen allele CA292957261.